The following is an entry in ClinVar:

NM_018418.5(SPATA7):c.447A>T (p.Ser149=)

Gene: SPATA7 (spermatogenesis associated 7; plus strand). Cytogenetic location: 14q31.3.
Variant type: single nucleotide variant.
Coding change: c.447A>T on transcript NM_018418.5 (MANE Select); coding-DNA position 447, A replaced by T.
Protein change: p.Ser149=; no amino-acid change (serine 149 retained).
Molecular consequence: synonymous variant.
Genome position (GRCh38, 1-based): chr14:88,426,306, A>T. VCF-style: chr14-88426306-A-T. GRCh37 (hg19) VCF-style: chr14-88892650-A-T.
Other names: c.351A>T, p.Ser117= (NM_001040428.4).
Identifiers: ClinVar variation 774999 (VCV000774999.10), dbSNP rs200315779, ClinGen allele CA7298533.

ClinVar aggregate classification (germline): Likely benign. Review status: criteria provided, multiple submitters, no conflicts (2 of 4 stars). 3 submissions from 3 submitters: Likely benign (3). Last evaluated 2026-04-13.

Conditions:
Leber congenital amaurosis 3 (LCA3). Also called: SPATA7-Related Retinitis Pigmentosa. Identifiers: MedGen C1858677, MONDO:0011415, OMIM 604232.
SPATA7-related disorder. Also called: SPATA7-related condition; SPATA7-related disorders. Identifiers: MedGen CN239422.

Allele frequency attached by ClinVar (database versions not stated): gnomAD 0.00001; gnomAD exomes 0.00005 and 0.00010; TOPMed 0.00006; ExAC 0.00008; 1000 Genomes Project 0.00020; 1000 Genomes Project 30x 0.00031.
gnomAD v4.1: 30 of 1,614,160 alleles (0.0019%); highest among the groups gnomAD compares: Admixed American, 0.048%; no homozygotes.

Submissions (3):

PreventionGenetics, part of Exact Sciences
Classification: Likely benign for SPATA7-related condition. Last evaluated: 2026-04-13. Review status: criteria provided, single submitter. Criteria: ACMG Guidelines, 2015. Collection method: clinical testing. Allele origin: germline.
Comment: This variant is classified as likely benign based on ACMG/AMP sequence variant interpretation guidelines (Richards et al. 2015 PMID: 25741868, with internal and published modifications).

Labcorp Genetics (formerly Invitae), Labcorp
Classification: Likely benign for Leber congenital amaurosis 3. Last evaluated: 2025-05-27. Review status: criteria provided, single submitter. Criteria: Invitae Variant Classification Sherloc (09022015). Collection method: clinical testing. Allele origin: germline.

Blueprint Genetics
Classification: Likely benign. Last evaluated: 2019-09-20. Review status: criteria provided, single submitter. Criteria: ACMG Guidelines, 2015. Collection method: clinical testing. Allele origin: germline.